The following is an entry in ClinVar:

NM_000051.4(ATM):c.1340G>T (p.Arg447Leu)

Gene: ATM (ATM serine/threonine kinase; plus strand). Cytogenetic location: 11q22.3.
Variant type: single nucleotide variant.
Coding change: c.1340G>T on transcript NM_000051.4 (MANE Select); coding-DNA position 1340, G replaced by T.
Protein change: p.Arg447Leu; replaces arginine 447 with leucine.
Molecular consequence: missense variant.
Genome position (GRCh38, 1-based): chr11:108,250,805, G>T. VCF-style: chr11-108250805-G-T. GRCh37 (hg19) VCF-style: chr11-108121532-G-T.
Other names: c.1340G>T, p.Arg447Leu (NM_001351834.2); short protein forms R447L.
Identifiers: ClinVar variation 524389 (VCV000524389.11), dbSNP rs760676955, ClinGen allele CA382533743.
Genomic context (GRCh38, chr11:108,250,805, plus strand): 5'-TACCTAACTGTGAGCTGTCTCCATTACTGATGATACTATCTCAGCTTCTACCCCAACAGC[G>T]ACATGGGGAACGTACACCATATGTGTTACGATGCCTTACGGAAGTTGCATTGTGTCAAGA-3'
Protein context (NP_000042.3, residues 437-457): MILSQLLPQQ[Arg447Leu]HGERTPYVLR

ClinVar aggregate classification (germline): Uncertain significance. Review status: criteria provided, multiple submitters, no conflicts (2 of 4 stars). 3 submissions from 3 submitters: Uncertain significance (3). Last evaluated 2025-08-25.

Conditions:
Hereditary cancer-predisposing syndrome. Also called: Neoplastic Syndromes, Hereditary; Tumor predisposition; Hereditary Cancer Syndrome; Hereditary neoplastic syndrome. Identifiers: Orphanet 140162, MedGen C0027672, MeSH D009386, MONDO:0015356.
Familial cancer of breast. Also called: hereditary breast carcinoma; BREAST CANCER, FAMILIAL; Hereditary breast cancer. Identifiers: Orphanet 227535, MedGen C0346153, MONDO:0016419, OMIM 114480. Disease mechanism: loss of function.
Ataxia-telangiectasia syndrome (AT). Also called: ATAXIA-TELANGIECTASIA, COMPLEMENTATION GROUP A; ATAXIA-TELANGIECTASIA, FRESNO VARIANT; Ataxia-telangiectasia; Ataxia-telangiectasia, complementation group D; AT, COMPLEMENTATION GROUP C; Ataxia-telangiectasia, complementation group E. Identifiers: Orphanet 100, MedGen C0004135, MONDO:0008840, OMIM 208900.

gnomAD v4.1: 1 of 1,613,726 alleles (0.000062%); no homozygotes.

Submissions (3):

Ambry Genetics
Classification: Uncertain significance for Hereditary cancer-predisposing syndrome. Last evaluated: 2025-08-25. Review status: criteria provided, single submitter. Criteria: Ambry Variant Classification Scheme 2023. Collection method: clinical testing. Allele origin: germline.
Comment: The p.R447L variant (also known as c.1340G>T), located in coding exon 9 of the ATM gene, results from a G to T substitution at nucleotide position 1340. The arginine at codon 447 is replaced by leucine, an amino acid with dissimilar properties. This amino acid position is highly conserved in available vertebrate species. In addition, the in silico prediction for this alteration is inconclusive. Since supporting evidence is limited at this time, the clinical significance of this alteration remains unclear.

KCCC/NGS Laboratory, Kuwait Cancer Control Center
Classification: Uncertain significance for Familial cancer of breast. Last evaluated: 2023-06-06. Review status: criteria provided, single submitter. Criteria: ACMG Guidelines, 2015. Collection method: clinical testing. Allele origin: germline. Affected: yes.
Comment: A Variant of Uncertain significance was detected in ATM gene . This sequence change replaces arginine with leucine at codon 447 of the ATM protein (p.Arg447Leu). The arginine residue is moderately conserved and there is a moderate physicochemical difference between arginine and leucine. This variant is not present in population databases (GnomAD). This variant has not been reported in the literature in individuals affected with ATM-related conditions. This alteration is predicted to be tolerated by in silico analysis. In summary, the available evidence is currently insufficient to determine the role of this variant in disease. Therefore, it has been classified as a Variant of Uncertain Significance.Genetic

Labcorp Genetics (formerly Invitae), Labcorp
Classification: Uncertain significance for Ataxia-telangiectasia syndrome. Last evaluated: 2022-03-13. Review status: criteria provided, single submitter. Criteria: Invitae Variant Classification Sherloc (09022015). Collection method: clinical testing. Allele origin: germline.
Comment: In summary, the available evidence is currently insufficient to determine the role of this variant in disease. Therefore, it has been classified as a Variant of Uncertain Significance. Advanced modeling of protein sequence and biophysical properties (such as structural, functional, and spatial information, amino acid conservation, physicochemical variation, residue mobility, and thermodynamic stability) performed at Invitae indicates that this missense variant is not expected to disrupt ATM protein function. ClinVar contains an entry for this variant (Variation ID: 524389). This variant has not been reported in the literature in individuals affected with ATM-related conditions. This variant is not present in population databases (gnomAD no frequency). This sequence change replaces arginine, which is basic and polar, with leucine, which is neutral and non-polar, at codon 447 of the ATM protein (p.Arg447Leu).